The following is an entry in ClinVar:

ClinVar aggregate classification (germline): Likely pathogenic (1 of 4 stars; one submission).

Conditions:
Choanal atresia-athelia-hypothyroidism-delayed puberty-short stature syndrome (BCAHH). Also called: BRANCHIAL ARCH ABNORMALITIES, CHOANAL ATRESIA, ATHELIA, HEARING LOSS, AND HYPOTHYROIDISM SYNDROME. Identifiers: Orphanet 589856, MedGen C5680310, MONDO:0035651, OMIM 620186.

Submission:

Victorian Clinical Genetics Services, Murdoch Childrens Research Institute
Classification: Likely pathogenic for Choanal atresia-athelia-hypothyroidism-delayed puberty-short stature syndrome. Last evaluated: 2025-10-24. Review status: criteria provided, single submitter. Criteria: ACMG Guidelines, 2015. Collection method: clinical testing. Allele origin: germline. Affected: yes.
Comment: This variant is classified as Likely pathogenic. Evidence in support of pathogenic classification: Variant is absent from gnomAD (v2, v3 and v4); Additional information: Variant is predicted to result in a missense amino acid change from Gln to Pro; This variant is heterozygous; This gene is associated with autosomal dominant disease; Alternative amino acid change(s) at the same position are present in gnomAD (v4: 2 heterozygote(s), 0 homozygote(s)); This variant has no previous evidence of pathogenicity; No published evidence of segregation with disease has been identified for this variant; No published functional evidence has been identified for this variant; No comparable missense variants have previous evidence for pathogenicity; Variant is not located in an established domain, motif, hotspot or informative constraint region; Missense variant with inconclusive in silico prediction and uninformative conservation; Loss of function is a known mechanism of disease in this gene and is associated with Kabuki syndrome 1 (MIM#147920) and branchial arch abnormalities, choanal atresia, athelia, hearing loss, and hypothyroidism syndrome (MIM#620186); Variants in this gene associated with Kabuki syndrome 1 (MIM#147920) are known to have variable expressivity (PMIDs: 21882399). Additionally, missense variants in exons 38-39 are associated with a phenotype distinct from Kabuki syndrome (PMIDs: 31949313, 35060672).

Literature cited by the submitters: PubMed 21882399; PubMed 35060672; PubMed 31949313.

NM_003482.4(KMT2D):c.10709A>C (p.Gln3570Pro)

Gene: KMT2D (lysine methyltransferase 2D; minus strand). Cytogenetic location: 12q13.12.
Variant type: single nucleotide variant.
Coding change: c.10709A>C on transcript NM_003482.4 (MANE Select); coding-DNA position 10709, A replaced by C.
Protein change: p.Gln3570Pro; replaces glutamine 3570 with proline.
Molecular consequence: missense variant.
Genome position (GRCh38, 1-based): chr12:49,034,098, T>G on the plus strand (A>C on the coding strand, the complement: KMT2D is on the minus strand). VCF-style: chr12-49034098-T-G. GRCh37 (hg19) VCF-style: chr12-49427881-T-G.
Other names: short protein forms Q3570P.
Identifiers: ClinVar variation 4531420 (VCV004531420.1).